The following is an entry in ClinVar:

ClinVar aggregate classification (germline): Uncertain significance (1 of 4 stars; one submission).

Conditions:
Chromosome 2q32-q33 deletion syndrome (GLASS). Also called: 2q33.1 deletion syndrome; Glass syndrome. Identifiers: Orphanet 251019, MedGen C2676739, MONDO:0012864, OMIM 612313.

Submission:

Labcorp Genetics (formerly Invitae), Labcorp
Classification: Uncertain significance for Chromosome 2q32-q33 deletion syndrome. Last evaluated: 2022-09-24. Review status: criteria provided, single submitter. Criteria: Invitae Variant Classification Sherloc (09022015). Collection method: clinical testing. Allele origin: germline.
Comment: In summary, the available evidence is currently insufficient to determine the role of this variant in disease. Therefore, it has been classified as a Variant of Uncertain Significance. This variant has not been reported in the literature in individuals affected with SATB2-related conditions. This variant results in a copy number gain of the genomic region encompassing exon(s) 5-12 of the SATB2 gene. This region includes the termination codon of the gene. This copy number gain extends beyond the assayed region for this gene and therefore may encompass additional genes. As the precise location of this event is unknown, it may be in tandem or it may be located elsewhere in the genome.

NC_000002.11:g.(?_200136934)_(200246563_?)dup

Gene: SATB2 (SATB homeobox 2; minus strand). Cytogenetic location: 2q33.1.
Variant type: Duplication.
Identifiers: ClinVar variation 2426109 (VCV002426109.4).